The following is an entry in ClinVar:

ClinVar aggregate classification (germline): Uncertain significance (1 of 4 stars; one submission).

gnomAD v4.1: 1 of 1,613,638 alleles (0.000062%); no homozygotes.

Submission:

Labcorp Genetics (formerly Invitae), Labcorp
Classification: Uncertain significance. Last evaluated: 2026-01-27. Review status: criteria provided, single submitter. Criteria: Invitae Variant Classification Sherloc (09022015). Collection method: clinical testing. Allele origin: germline.
Comment: This sequence change replaces lysine, which is basic and polar, with arginine, which is basic and polar, at codon 639 of the CEP89 protein (p.Lys639Arg). This variant is not present in population databases (gnomAD no frequency). This variant has not been reported in the literature in individuals affected with CEP89-related conditions. ClinVar contains an entry for this variant (Variation ID: 3695881). An algorithm developed to predict the effect of missense changes on protein structure and function outputs the following: PolyPhen-2: "Benign". The arginine amino acid residue is found in multiple mammalian species, which suggests that this missense change does not adversely affect protein function. In summary, the available evidence is currently insufficient to determine the role of this variant in disease. Therefore, it has been classified as a Variant of Uncertain Significance.

NM_032816.5(CEP89):c.1916A>G (p.Lys639Arg)

Gene: CEP89 (centrosomal protein 89; minus strand). Cytogenetic location: 19q13.11.
Variant type: single nucleotide variant.
Coding change: c.1916A>G on transcript NM_032816.5 (MANE Select); coding-DNA position 1916, A replaced by G.
Protein change: p.Lys639Arg; replaces lysine 639 with arginine.
Molecular consequence: missense variant.
Genome position (GRCh38, 1-based): chr19:32,887,801, T>C on the plus strand (A>G on the coding strand, the complement: CEP89 is on the minus strand). VCF-style: chr19-32887801-T-C. GRCh37 (hg19) VCF-style: chr19-33378707-T-C.
Other names: short protein forms K639R.
Identifiers: ClinVar variation 3695881 (VCV003695881.2).
Genomic context (GRCh38, chr19:32,887,801, plus strand): 5'-TAACCACTTACCTTGACTTTTTCCTCTAACTTTCCCAGGCGAATGTTGCTTTTTATGACT[T>C]TATTAAGCACTCCATCCTTCTCACTTTCTAAACATTTTGCCTAGGGAGAAGGGTGATAAA-3'
Protein context (NP_116205.3, residues 629-649): LESEKDGVLN[Lys639Arg]VIKSNIRLGK